The following is an entry in ClinVar:

ClinVar aggregate classification (germline): Uncertain significance (1 of 4 stars; one submission).

Conditions:
OTOGL-related disorder. Also called: OTOGL-related condition.

Submission:

PreventionGenetics, part of Exact Sciences
Classification: Uncertain significance for OTOGL-related condition. Last evaluated: 2025-07-01. Review status: criteria provided, single submitter. Criteria: ACMG Guidelines, 2015. Collection method: clinical testing. Allele origin: germline.
Comment: The OTOGL c.2846_2848delCTT variant is predicted to result in an in-frame deletion (p.Ser949del). To our knowledge, this variant has not been reported in the literature or in a large population database (gnomAD), indicating this variant is rare. At this time, the clinical significance of this variant is uncertain due to the absence of conclusive functional and genetic evidence.

NM_001378609.3(OTOGL):c.2873_2875del (p.Ser958del)

Gene: OTOGL (otogelin like; plus strand). Cytogenetic location: 12q21.31.
Variant type: Deletion.
Coding change: c.2873_2875del on transcript NM_001378609.3 (MANE Select); coding-DNA positions 2873 to 2875, 3 bases deleted (CTT; older notation c.2873_2875delCTT).
Protein change: p.Ser958del; deletes serine 958.
Molecular consequence: inframe deletion.
Genome position (GRCh38, 1-based): chr12:80,279,111-80,279,113, CTT deleted; deleting any 3 consecutive bases within chr12:80,279,109-80,279,113 gives the same sequence; the c. name uses the placement nearest the transcript's 3' end. VCF-style (leftmost placement, unchanged base first): chr12-80279108-ATTC-A. GRCh37 (hg19) VCF-style: chr12-80672888-ATTC-A.
Other names: c.2873_2875del, p.Ser958del (NM_001368062.3, NM_001378610.3, NM_173591.7); short protein forms S958del.
Identifiers: ClinVar variation 4985242 (VCV004985242.1).